The following is an entry in ClinVar:

NM_005359.6(SMAD4):c.1322G>A (p.Arg441His)

Gene: SMAD4 (SMAD family member 4; plus strand). Cytogenetic location: 18q21.2.
Variant type: single nucleotide variant.
Coding change: c.1322G>A on transcript NM_005359.6 (MANE Select); coding-DNA position 1322, G replaced by A.
Protein change: p.Arg441His; replaces arginine 441 with histidine.
Molecular consequence: missense variant.
Genome position (GRCh38, 1-based): chr18:51,076,651, G>A. VCF-style: chr18-51076651-G-A. GRCh37 (hg19) VCF-style: chr18-48603021-G-A.
Other names: short protein forms R441H.
Identifiers: ClinVar variation 653632 (VCV000653632.17), dbSNP rs1599204057, ClinGen allele CA402465129.

ClinVar aggregate classification (germline): Uncertain significance. Review status: criteria provided, multiple submitters, no conflicts (2 of 4 stars). 4 submissions from 4 submitters: Uncertain significance (3). 1 of the submissions does not count toward it. Last evaluated 2026-01-18.

Conditions:
Familial thoracic aortic aneurysm and aortic dissection (TAAD). Also called: Thoracic aortic aneurysms and dissections. Identifiers: Orphanet 91387, MedGen C4707243, MONDO:0019625.
Hereditary cancer-predisposing syndrome. Also called: Neoplastic Syndromes, Hereditary; Hereditary neoplastic syndrome; Hereditary Cancer Syndrome; Tumor predisposition. Identifiers: Orphanet 140162, MedGen C0027672, MeSH D009386, MONDO:0015356.
Juvenile polyposis syndrome (JPS). Identifiers: Orphanet 2929, MedGen C0345893, MONDO:0017380, OMIM 174900.
SMAD4-related disorder. Also called: SMAD4-related condition; SMAD4-Related disorders.

Allele frequency attached by ClinVar (database versions not stated): gnomAD exomes below 0.00001.
gnomAD v4.1: 2 of 1,613,818 alleles (0.00012%); highest among the groups gnomAD compares: Non-Finnish European, 0.00017%; no homozygotes.

Submissions (4):

Labcorp Genetics (formerly Invitae), Labcorp
Classification: Uncertain significance for Juvenile polyposis syndrome. Last evaluated: 2026-01-18. Review status: criteria provided, single submitter. Criteria: Invitae Variant Classification Sherloc (09022015). Collection method: clinical testing. Allele origin: germline.
Comment: This sequence change replaces arginine, which is basic and polar, with histidine, which is basic and polar, at codon 441 of the SMAD4 protein (p.Arg441His). This variant is not present in population databases (gnomAD no frequency). This variant has not been reported in the literature in individuals affected with SMAD4-related conditions. ClinVar contains an entry for this variant (Variation ID: 653632). Invitae Evidence Modeling of protein sequence and biophysical properties (such as structural, functional, and spatial information, amino acid conservation, physicochemical variation, residue mobility, and thermodynamic stability) has been performed for this missense variant. However, the output from this modeling did not meet the statistical confidence thresholds required to predict the impact of this variant on SMAD4 protein function. In summary, the available evidence is currently insufficient to determine the role of this variant in disease. Therefore, it has been classified as a Variant of Uncertain Significance.

Ambry Genetics
Classification: Uncertain significance for Hereditary cancer-predisposing syndrome; Familial thoracic aortic aneurysm and aortic dissection. Last evaluated: 2025-01-03. Review status: criteria provided, single submitter. Criteria: Ambry Variant Classification Scheme 2023. Collection method: clinical testing. Allele origin: germline.
Comment: The p.R441H variant (also known as c.1322G>A), located in coding exon 10 of the SMAD4 gene, results from a G to A substitution at nucleotide position 1322. The arginine at codon 441 is replaced by histidine, an amino acid with highly similar properties. This amino acid position is highly conserved in available vertebrate species. In addition, this alteration is predicted to be deleterious by in silico analysis. Since supporting evidence is limited at this time, the clinical significance of this alteration remains unclear.

GeneDx
Classification: Uncertain significance. Last evaluated: 2023-03-20. Review status: criteria provided, single submitter. Criteria: GeneDx Variant Classification Process June 2021. Collection method: clinical testing. Allele origin: germline. Affected: yes.
Comment: Has not been previously published in association with a connective tissue disorder as pathogenic or benign to our knowledge; Not observed at significant frequency in large population cohorts (gnomAD); In silico analysis supports that this missense variant has a deleterious effect on protein structure/function; This variant is associated with the following publications: (PMID: 30842500, 17873119, 18823382, 15235019)

PreventionGenetics, part of Exact Sciences
Classification: Uncertain significance for SMAD4-related condition. Last evaluated: 2024-07-30. Review status: no assertion criteria provided. Collection method: clinical testing. Allele origin: germline. Not counted in ClinVar's aggregate classification.
Comment: The SMAD4 c.1322G>A variant is predicted to result in the amino acid substitution p.Arg441His. This variant has been reported in an individual with hepatocellular carcinoma (Supplementary File, Pelusi et al. 2019. PubMed ID: 30842500). This variant has not been reported in a large population database, indicating this variant is rare. At this time, the clinical significance of this variant is uncertain due to the absence of conclusive functional and genetic evidence.